The following is an entry in ClinVar:

NM_002872.5(RAC2):c.399G>A (p.Lys133=)

Gene: RAC2 (Rac family small GTPase 2; minus strand). Cytogenetic location: 22q13.1.
Variant type: single nucleotide variant.
Coding change: c.399G>A on transcript NM_002872.5 (MANE Select); coding-DNA position 399, G replaced by A.
Protein change: p.Lys133=; no amino-acid change (lysine 133 retained).
Molecular consequence: synonymous variant.
Genome position (GRCh38, 1-based): chr22:37,231,280, C>T on the plus strand (G>A on the coding strand, the complement: RAC2 is on the minus strand). VCF-style: chr22-37231280-C-T. GRCh37 (hg19) VCF-style: chr22-37627320-C-T.
Identifiers: ClinVar variation 2653113 (VCV002653113.24), dbSNP rs2517932098, ClinGen allele CA514516551.
Genomic context (GRCh38, chr22:37,231,280, plus strand): 5'-GAGGCCCATACCAATCTCCTTGGCCAGTGCCAGGCCCTGCGGGTAGGTGATGGGAGCCAG[C>T]TTCTTCTCCTTCAGTTTCTCGATGGTGTCCTTGTCGTCCCGCAGGTCCAGCTTGGTGCCC-3'
Protein context (NP_002863.1, residues 123-143): KDTIEKLKEK[Lys133=]LAPITYPQGL

ClinVar aggregate classification (germline): Likely benign (1 of 4 stars; one submission).

Submission:

CeGaT Center for Human Genetics Tuebingen
Classification: Likely benign. Last evaluated: 2023-05-01. Review status: criteria provided, single submitter. Criteria: CeGaT Center For Human Genetics Tuebingen Variant Classification Criteria Version 2. Collection method: clinical testing. Allele origin: germline. Affected: yes. Observed: 1 variant allele.
Comment: RAC2: PM2:Supporting, BP4, BP7